The following is an entry in ClinVar:

NM_001378454.1(ALMS1):c.2446A>T (p.Lys816Ter)

Gene: ALMS1 (ALMS1 centrosome and basal body associated protein; plus strand). Cytogenetic location: 2p13.1.
Variant type: single nucleotide variant.
Coding change: c.2446A>T on transcript NM_001378454.1 (MANE Select); coding-DNA position 2446, A replaced by T.
Protein change: p.Lys816Ter; replaces lysine 816 with a stop codon.
Molecular consequence: nonsense.
Genome position (GRCh38, 1-based): chr2:73,448,973, A>T. VCF-style: chr2-73448973-A-T. GRCh37 (hg19) VCF-style: chr2-73676100-A-T.
Other names: c.2449A>T, p.Lys817Ter (NM_015120.4); short protein forms K816*, K817*.
Identifiers: ClinVar variation 2843824 (VCV002843824.3), dbSNP rs2466094627, ClinGen allele CA347270113.

ClinVar aggregate classification (germline): Pathogenic (1 of 4 stars; one submission).

Conditions:
Alstrom syndrome (ALMS). Identifiers: Orphanet 64, MedGen C0268425, MONDO:0008763, OMIM 203800.

Submission:

Labcorp Genetics (formerly Invitae), Labcorp
Classification: Pathogenic for Alstrom syndrome. Last evaluated: 2023-03-08. Review status: criteria provided, single submitter. Criteria: Invitae Variant Classification Sherloc (09022015). Collection method: clinical testing. Allele origin: germline.
Comment: This sequence change creates a premature translational stop signal (p.Lys817*) in the ALMS1 gene. It is expected to result in an absent or disrupted protein product. Loss-of-function variants in ALMS1 are known to be pathogenic (PMID: 17594715). This variant is not present in population databases (gnomAD no frequency). This variant has not been reported in the literature in individuals affected with ALMS1-related conditions. For these reasons, this variant has been classified as Pathogenic.

Literature cited by the submitters: PubMed 17594715.